The following is an entry in ClinVar:

ClinVar aggregate classification (germline): Uncertain significance (1 of 4 stars; one submission).

Conditions:
Hereditary cancer-predisposing syndrome. Also called: Neoplastic Syndromes, Hereditary; Tumor predisposition; Hereditary neoplastic syndrome; Hereditary Cancer Syndrome. Identifiers: Orphanet 140162, MedGen C0027672, MeSH D009386, MONDO:0015356.

Submission:

Ambry Genetics
Classification: Uncertain significance for Hereditary cancer-predisposing syndrome. Last evaluated: 2024-02-04. Review status: criteria provided, single submitter. Criteria: Ambry Variant Classification Scheme 2023. Collection method: clinical testing. Allele origin: germline.
Comment: The p.D1026N variant (also known as c.3076G>A), located in coding exon 26 of the POLE gene, results from a G to A substitution at nucleotide position 3076. The aspartic acid at codon 1026 is replaced by asparagine, an amino acid with highly similar properties. This amino acid position is conserved. In addition, this alteration is predicted to be tolerated by in silico analysis. Based on the available evidence, the clinical significance of this alteration remains unclear.

NM_006231.4(POLE):c.3076G>A (p.Asp1026Asn)

Gene: POLE (DNA polymerase epsilon, catalytic subunit; minus strand). Cytogenetic location: 12q24.33.
Variant type: single nucleotide variant.
Coding change: c.3076G>A on transcript NM_006231.4 (MANE Select); coding-DNA position 3076, G replaced by A.
Protein change: p.Asp1026Asn; replaces aspartic acid 1026 with asparagine.
Molecular consequence: missense variant.
Genome position (GRCh38, 1-based): chr12:132,659,494, C>T on the plus strand (G>A on the coding strand, the complement: POLE is on the minus strand). VCF-style: chr12-132659494-C-T. GRCh37 (hg19) VCF-style: chr12-133236080-C-T.
Other names: short protein forms D1026N.
Identifiers: ClinVar variation 3225433 (VCV003225433.1), dbSNP rs2138678915, ClinGen allele CA387391852.